The following is an entry in ClinVar:

NM_002076.4(GNS):c.653A>G (p.Tyr218Cys)

Gene: GNS (glucosamine (N-acetyl)-6-sulfatase; minus strand). Cytogenetic location: 12q14.3.
Variant type: single nucleotide variant.
Coding change: c.653A>G on transcript NM_002076.4 (MANE Select); coding-DNA position 653, A replaced by G.
Protein change: p.Tyr218Cys; replaces tyrosine 218 with cysteine.
Molecular consequence: missense variant.
Genome position (GRCh38, 1-based): chr12:64,743,280, T>C on the plus strand (A>G on the coding strand, the complement: GNS is on the minus strand). VCF-style: chr12-64743280-T-C. GRCh37 (hg19) VCF-style: chr12-65137060-T-C.
Other names: short protein forms Y218C.
Identifiers: ClinVar variation 1426797 (VCV001426797.5), dbSNP rs777980972, ClinGen allele CA6669874.

ClinVar aggregate classification (germline): Uncertain significance (1 of 4 stars; one submission).

Conditions:
Mucopolysaccharidosis, MPS-III-D (MPS3D). Also called: N-ACETYLGLUCOSAMINE-6-SULFATASE DEFICIENCY; SANFILIPPO SYNDROME D; MPS III D; Mucopoly-saccharidosis type 3D; N-acetylglucosamine-6-sulfate sulfatase deficiency; MPS 3D. Identifiers: Orphanet 581, Orphanet 79272, MedGen C0086650, MONDO:0009658, OMIM 252940.

Allele frequency attached by ClinVar (database versions not stated): gnomAD exomes below 0.00001; ExAC 0.00001; gnomAD 0.00001.
gnomAD v4.1: 5 of 1,612,468 alleles (0.00031%); highest among the groups gnomAD compares: Non-Finnish European, 0.00034%; no homozygotes.

Submission:

Labcorp Genetics (formerly Invitae), Labcorp
Classification: Uncertain significance for Mucopolysaccharidosis, MPS-III-D. Last evaluated: 2022-08-16. Review status: criteria provided, single submitter. Criteria: Invitae Variant Classification Sherloc (09022015). Collection method: clinical testing. Allele origin: germline.
Comment: This sequence change replaces tyrosine, which is neutral and polar, with cysteine, which is neutral and slightly polar, at codon 218 of the GNS protein (p.Tyr218Cys). This variant is present in population databases (rs777980972, gnomAD 0.0009%). This variant has not been reported in the literature in individuals affected with GNS-related conditions. ClinVar contains an entry for this variant (Variation ID: 1426797). Algorithms developed to predict the effect of missense changes on protein structure and function (SIFT, PolyPhen-2, Align-GVGD) all suggest that this variant is likely to be disruptive. In summary, the available evidence is currently insufficient to determine the role of this variant in disease. Therefore, it has been classified as a Variant of Uncertain Significance.